The following is an entry in ClinVar:

ClinVar aggregate classification (germline): Pathogenic (1 of 4 stars; one submission).

Submission:

Labcorp Genetics (formerly Invitae), Labcorp
Classification: Pathogenic. Last evaluated: 2022-06-03. Review status: criteria provided, single submitter. Criteria: Invitae Variant Classification Sherloc (09022015). Collection method: clinical testing. Allele origin: germline.
Comment: This variant is a gross deletion of the genomic region encompassing exon(s) 13-15 of the MERTK gene. This deletion is out-of-frame, and is expected to create a premature termination codon and result in an absent or disrupted protein product. Loss-of-function variants in MERTK are known to be pathogenic (PMID: 24265693, 29659094). For these reasons, this variant has been classified as Pathogenic. This variant has not been reported in the literature in individuals affected with MERTK-related conditions.

Literature cited by the submitters: PubMed 24265693; PubMed 29659094.

NC_000002.11:g.(?_112761461)_(112767663_?)dup

Gene: MERTK (MER proto-oncogene, tyrosine kinase; plus strand). Cytogenetic location: 2q13.
Variant type: Duplication.
Identifiers: ClinVar variation 2425571 (VCV002425571.4).